The following is an entry in ClinVar:

ClinVar aggregate classification (germline): Uncertain significance (1 of 4 stars; one submission).

Submission:

Labcorp Genetics (formerly Invitae), Labcorp
Classification: Uncertain significance. Last evaluated: 2023-11-25. Review status: criteria provided, single submitter. Criteria: Invitae Variant Classification Sherloc (09022015). Collection method: clinical testing. Allele origin: germline.
Comment: This sequence change replaces isoleucine, which is neutral and non-polar, with threonine, which is neutral and polar, at codon 500 of the RHOBTB2 protein (p.Ile500Thr). This variant is not present in population databases (gnomAD no frequency). This variant has not been reported in the literature in individuals affected with RHOBTB2-related conditions. Advanced modeling of protein sequence and biophysical properties (such as structural, functional, and spatial information, amino acid conservation, physicochemical variation, residue mobility, and thermodynamic stability) performed at Invitae indicates that this missense variant is not expected to disrupt RHOBTB2 protein function with a negative predictive value of 80%. In summary, the available evidence is currently insufficient to determine the role of this variant in disease. Therefore, it has been classified as a Variant of Uncertain Significance.

NM_015178.3(RHOBTB2):c.1433T>C (p.Ile478Thr)

Gene: RHOBTB2 (Rho related BTB domain containing 2; plus strand). Cytogenetic location: 8p21.3.
Variant type: single nucleotide variant.
Coding change: c.1433T>C on transcript NM_015178.3 (MANE Select); coding-DNA position 1433, T replaced by C.
Protein change: p.Ile478Thr; replaces isoleucine 478 with threonine.
Molecular consequence: missense variant.
Genome position (GRCh38, 1-based): chr8:23,007,678, T>C. VCF-style: chr8-23007678-T-C. GRCh37 (hg19) VCF-style: chr8-22865191-T-C.
Other names: c.1499T>C, p.Ile500Thr (NM_001160036.2); c.1454T>C, p.Ile485Thr (NM_001160037.2); c.1433T>C, p.Ile478Thr (NM_001374791.1); short protein forms I485T, I500T, I478T.
Identifiers: ClinVar variation 2698935 (VCV002698935.3), dbSNP rs2487014363, ClinGen allele CA370569231.
Genomic context (GRCh38, chr8:23,007,678, plus strand): 5'-TTGATCTGCGCATGATGGTGGCCAACATTCTCAACAATGAGGCCTTCATGAACCAGGAGA[T>C]CACCAAGGCCTTCCACGTCCGCCGGACCAACCGGGTTAAGGAGTGCTTGGCAAAAGGCAC-3'
Protein context (NP_055993.2, residues 468-488): LNNEAFMNQE[Ile478Thr]TKAFHVRRTN